The following is an entry in ClinVar:

NM_001904.4(CTNNB1):c.1524+1G>T

Genes: CTNNB1 (catenin beta 1; plus strand), LOC126806659 (BRD4-independent group 4 enhancer GRCh37_chr3:41274918-41276117; plus strand). Cytogenetic location: 3p22.1.
Variant type: single nucleotide variant.
Coding change: c.1524+1G>T on transcript NM_001904.4 (MANE Select); the canonical splice donor site of the intron after coding-DNA position 1524, G replaced by T.
Molecular consequence: splice donor variant.
Genome position (GRCh38, 1-based): chr3:41,233,868, G>T. VCF-style: chr3-41233868-G-T. GRCh37 (hg19) VCF-style: chr3-41275359-G-T.
Other names: c.1503+1G>T (NM_001330729.2); c.1524+1G>T (NM_001098209.2, NM_001098210.2).
Identifiers: ClinVar variation 3891296 (VCV003891296.1).

ClinVar aggregate classification (germline): Likely pathogenic (1 of 4 stars; one submission).

Conditions:
Severe intellectual disability-progressive spastic diplegia syndrome (NEDSDV). Also called: NEURODEVELOPMENTAL DISORDER WITH SPASTIC DIPLEGIA AND VISUAL DEFECTS; CTNNB1 Neurodevelopmental Disorder. Identifiers: Orphanet 404473, MedGen C3554449, MONDO:0014035, OMIM 615075.

Submission:

Foundation for Research in Genetics and Endocrinology, FRIGE's Institute of Human Genetics
Classification: Likely pathogenic for Severe intellectual disability-progressive spastic diplegia syndrome. Last evaluated: 2025-04-03. Review status: criteria provided, single submitter. Criteria: ACMG Guidelines, 2015. Collection method: clinical testing. Allele origin: germline. Inheritance: Autosomal dominant inheritance. Affected: yes. Observed: 1 heterozygote.
Comment: A heterozygous 5' splice site variant in intron 9 of the CTNNB1 gene that affects the invariant GT donor splice site downstream of exon 9 was detected. The observed variant c.1524+1G>T has not been reported in the 1000 genomes, gnomAD (v3.1), gnomAD (v2.1) and topmed databases. The in-silico prediction of the variant are possibly damaging by DANN and MutationTaster. The reference base is conserved across species. In summary, the variant meets our criteria to be classified as likely pathogenic.